The following is an entry in ClinVar:

ClinVar aggregate classification (germline): Pathogenic. Review status: reviewed by expert panel (3 of 4 stars). 9 submissions from 9 submitters: Pathogenic (1). 8 of the submissions do not count toward it. Last evaluated 2024-11-22.

Conditions:
Glycogen storage disease, type II (IOPD). Also called: POMPE DISEASE, INFANTILE-ONSET; GLYCOGEN STORAGE DISEASE II, INFANTILE-ONSET; ACID ALPHA-GLUCOSIDASE DEFICIENCY, INFANTILE-ONSET; GAA DEFICIENCY, INFANTILE-ONSET; ACID MALTASE DEFICIENCY, INFANTILE-ONSET; Pompe Disease. Identifiers: Orphanet 365, MedGen C0017921, MONDO:0009290, OMIM 232300.
Glycogen storage disease due to acid maltase deficiency, late-onset (LOPD). Also called: POMPE DISEASE, LATE-ONSET; GLYCOGEN STORAGE DISEASE II, LATE-ONSET; ACID ALPHA-GLUCOSIDASE DEFICIENCY, LATE-ONSET; GAA DEFICIENCY, LATE-ONSET; ACID MALTASE DEFICIENCY, LATE-ONSET; AMD, LATE-ONSET. Identifiers: Orphanet 420429, MedGen C0342753, MONDO:0018485, OMIM 621314.

Submissions (9):

ClinGen Lysosomal Storage Disorder Variant Curation Expert Panel
Classification: Pathogenic for Glycogen storage disease, type II. Last evaluated: 2024-11-22. Review status: reviewed by expert panel. Criteria: clingen_lsd_acmg_specifications_v2-1. Collection method: curation. Allele origin: germline. Inheritance: Autosomal recessive inheritance.
Comment: The NM_000152.5: c.2815_2816del (p.Val939LeufsTer78) variant in GAA is a frameshift variant predicted to cause a premature stop codon in the last exon of the gene and therefore to escape nonsense mediated decay. The frameshift begins at amino acid 939; the normal GAA gene product is 952 amino acids in length. Hence <10% of the normal product is missing. The impact of adding an abnormal sequence of 78 amino acids to the C terminus of GAA, due to the frameshift, is unknown (PVS1_Moderate). At least 10 probands with this variant who have been diagnosed with Pompe disease have been described including 4 probands for whom residual GAA activity was provided and was either <1% normal in cultured skin fibroblasts (PMID 22538254) or below the normal range in dried blood spots (PMID: 37542277, DOI 10.3390/metabo11070446). Two of these probands and at least 2 additional patients were on enzyme replacement therapy (PMID 22538254, 25316892, 32373469, (2)-413.pdf) (PP4_Moderate). Patients reported with this variant include compound heterozygotes for the variant and another pathogenic/likely pathogenic variant in GAA, phase unknown, including for c.118C>T (p.Arg40Ter) (ClinVar SCV001371737.1) (PMID 24269976, 0.5 points), c.1935C>A (p.Asp645Glu) (ClinVar SCV002032138.1) (PMIDs 22538254, 28394184, 32373469, at least two patients, 2 x 0.5 points), c.2238G>C (p.Trp746Cys) (ClinVar SCV002032122.1) (PMIDs: 25316892, 34647686, 0.5 points), c.1082C>T (p.Pro361Leu) (ClinVar SCV002540670.1) (PMID: 37542277, 0.5 points), and c.1843G>A (p.Gly615Arg) (ClinVar SCV002583372.1) (PMID: 37542277, 0.25 points) and c.2585delG (PMID 28394184, 0.25 points); and confirmed in trans with c.2238G>C (p.Trp746Cys) (2)-413.pdf, 1 point). Total 4 points for PM3 (PM3_VeryStrong). Another patient has been reported as compound heterozygous for the variant and c.266G>T (p.Arg89Leu) (DOI 10.3390/metabo11070446). The in trans data from this patient will be used for the assessment of p.Arg89Leu and is not included here in order to avoid circular logic. For another patient described with Pompe disease and the variant, a second variant was not identified (PMID 10338092). The highest population minor allele frequency in gnomAD v2.1.1 is 0.0001631 (3/18388; no homozygotes), and in gnomAD v4.1.0. it is 0.00006684 (3/44884; no homozygotes) in the East Asian population, which is lower than the ClinGen LD VCEP's threshold (<0.001) for PM2_Supporting, meeting this criterion (PM2_Supporting). There is a ClinVar entry for this variant (Variation ID: 371481). In summary, this variant meets the criteria to be classified as pathogenic for Pompe disease. GAA-specific ACMG/AMP criteria met, as specified by the ClinGen Lysosomal Diseases Variant Curation Expert Panel (ACMG/AMP specifications version 2.0): PM3_VeryStrong, PVS1_Moderate, PP4_Moderate, PM2_Supporting (Classification approved by the ClinGen Lysosomal Diseases Variant Curation Expert Panel on November 22, 2024)

Genomenon, Inc
Classification: Likely pathogenic for Glycogen storage disease, type II. Last evaluated: 2026-07-01. Review status: criteria provided, single submitter. Criteria: Genomenon Sequence Variant Interpretation Standards - Updated. Collection method: curation. Allele origin: germline. Affected: yes. Not counted in ClinVar's aggregate classification.
Comment: GAA p.Val939LeufsTer78 (c.2815_2816del) is a frameshift variant that results in the production of an extended protein product. This variant has been observed in at least one proband with a GAA-related disorder in the compound heterozygous and/or homozygous state (PMID:40355959;37542277;34647686;34357340;31086307;28394184;25316892). It is absent or not present at a significant frequency in gnomAD. In conclusion, we classify GAA p.Val939LeufsTer78 (c.2815_2816del) as a likely pathogenic variant.

Labcorp Genetics (formerly Invitae), Labcorp
Classification: Pathogenic for Glycogen storage disease, type II. Last evaluated: 2025-11-19. Review status: criteria provided, single submitter. Criteria: Invitae Variant Classification Sherloc (09022015). Collection method: clinical testing. Allele origin: germline. Not counted in ClinVar's aggregate classification.
Comment: This sequence change is expected to alter the c-terminus of the GAA protein (p.Val939Leufs*78). While this is not anticipated to result in nonsense mediated decay, it is expected to disrupt the last 14 amino acid(s) of the GAA protein and extend the protein by 63 additional amino acid residues. This variant is present in population databases (rs763359208, gnomAD 0.02%). This frameshift has been observed in individuals with Pompe disease (PMID: 21757382, 24269976, 28394184, 29122469). ClinVar contains an entry for this variant (Variation ID: 371481). For these reasons, this variant has been classified as Pathogenic.

Revvity Omics, Revvity
Classification: Pathogenic. Last evaluated: 2025-01-20. Review status: criteria provided, single submitter. Criteria: ACMG Guidelines, 2015. Collection method: clinical testing. Allele origin: germline. Not counted in ClinVar's aggregate classification.

Fulgent Genetics
Classification: Pathogenic for Glycogen storage disease, type II. Last evaluated: 2024-02-07. Review status: criteria provided, single submitter. Criteria: ACMG Guidelines, 2015. Collection method: clinical testing. Allele origin: germline. Not counted in ClinVar's aggregate classification.

Women's Health and Genetics/Laboratory Corporation of America, LabCorp
Classification: Pathogenic for Glycogen storage disease, type II. Last evaluated: 2022-05-25. Review status: criteria provided, single submitter. Criteria: LabCorp Variant Classification Summary - May 2015. Collection method: clinical testing. Allele origin: germline. Not counted in ClinVar's aggregate classification.
Comment: Variant summary: GAA c.2815_2816delGT (p.Val939LeufsX78) causes a frameshift which results in an extension of the protein. The variant allele was found at a frequency of 1.2e-05 in 251298 control chromosomes. c.2815_2816delGT has been reported in the literature in individuals affected with Glycogen Storage Disease, Type 2 (Pompe Disease). These data indicate that the variant is likely to be associated with disease. Five clinical diagnostic laboratories have submitted clinical-significance assessments for this variant to ClinVar after 2014 without evidence for independent evaluation (Pathogenic n=2, likely pathogenic n=2, VUS n=1). Based on the evidence outlined above, the variant was classified as pathogenic.

Broad Center for Mendelian Genomics, Broad Institute of MIT and Harvard
Classification: Uncertain significance for Glycogen storage disease, type II. Last evaluated: 2020-01-22. Review status: criteria provided, single submitter. Criteria: ACMG Guidelines, 2015. Collection method: curation. Allele origin: germline. Inheritance: Autosomal recessive inheritance. Not counted in ClinVar's aggregate classification.
Comment: The heterozygous p.Val939LeufsTer78 variant in GAA has been reported in 2 Malaysian individuals with Glycogen Storage Disease II (Wahab, Yakob, and Jalil, 2013), and has also been reported pathogenic by Counsyl in ClinVar (Variation ID: 371481). This variant has been identified in 0.0174% (3/17242) of East Asian chromosomes by the Genome Aggregation Database (gnomAD; dbSNP rs1057517308). Although this variant has been seen in the general population, its frequency is low enough to be consistent with a recessive carrier frequency. This variant is predicted to cause a frameshift, which alters the protein's amino acid sequence beginning at position 939 and leads to a premature termination codon 78 amino acids downstream. This termination codon occurs within the last exon and is more likely to escape nonsense mediated decay (NMD) and result in a truncated protein. Loss of function of the GAA gene is an established disease mechanism in autosomal recessive Glycogen Storage Disease II. In summary, while there is some suspicion for a pathogenic role, the clinical significance of this variant is uncertain. ACMG/AMP Criteria applied: PVS1_Moderate, PM2 (Richards 2015).

Juno Genomics, Hangzhou Juno Genomics, Inc
Classification: Pathogenic for Glycogen storage disease, type II; Glycogen storage disease due to acid maltase deficiency, late-onset. Review status: criteria provided, single submitter. Criteria: ACMG Guidelines, 2015. Collection method: clinical testing. Allele origin: germline. Not counted in ClinVar's aggregate classification.
Comment: Null variant in a gene where loss of function (LOF) is a known mechanism of disease.;For recessive disorders, detected in trans with a pathogenic variant.;Patient's phenotype or family history is highly specific for a disease with a single genetic etiology.;Absent from controls (or at extremely low frequency if recessive) in Genome Aggregation Database.

Counsyl
Classification: Pathogenic for Glycogen storage disease, type II. Last evaluated: 2016-10-04. Review status: no assertion criteria provided. Collection method: clinical testing. Allele origin: unknown. Not counted in ClinVar's aggregate classification.

Literature cited by the submitters: PubMed 40355959 (cited by Genomenon, Inc); PubMed 37542277 (cited by Genomenon, Inc); PubMed 34647686 (cited by Genomenon, Inc); PubMed 34357340 (cited by Genomenon, Inc); PubMed 31086307 (cited by Genomenon, Inc); PubMed 28394184 (cited by 3 submitters); PubMed 25316892 (cited by Genomenon, Inc); PubMed 21757382 (cited by Labcorp Genetics (formerly Invitae), Labcorp); PubMed 24269976 (cited by Labcorp Genetics (formerly Invitae), Labcorp and Counsyl); PubMed 29122469 (cited by Labcorp Genetics (formerly Invitae), Labcorp); PubMed 10338092 (cited by Women's Health and Genetics/Laboratory Corporation of America, LabCorp); PubMed 22538254 (cited by Counsyl).

NM_000152.5(GAA):c.2815_2816del (p.Val939fs)

Gene: GAA (alpha glucosidase; plus strand). Cytogenetic location: 17q25.3.
Variant type: Microsatellite.
Coding change: c.2815_2816del on transcript NM_000152.5 (MANE Select); coding-DNA positions 2815 to 2816, 2 bases deleted (GT; older notation c.2815_2816delGT).
Protein change: p.Val939fs; shifts the reading frame from valine 939.
Molecular consequence: frameshift variant.
Genome position (GRCh38, 1-based): chr17:80,119,287-80,119,288, GT deleted; deleting any 2 consecutive bases within chr17:80,119,284-80,119,288 gives the same sequence; the c. name uses the placement nearest the transcript's 3' end. VCF-style (leftmost placement, unchanged base first): chr17-80119283-CTG-C. GRCh37 (hg19) VCF-style: chr17-78093082-CTG-C.
Other names: c.2815_2816del (NM_000152.3); c.2815_2816del, p.Val939fs (NM_001079803.3, NM_001079804.3); short protein forms V939fs.
Identifiers: ClinVar variation 371481 (VCV000371481.28), dbSNP rs763359208, ClinGen allele CA8815886.